The following is an entry in ClinVar:

NM_198578.4(LRRK2):c.5122T>G (p.Leu1708Val)

Gene: LRRK2 (leucine rich repeat kinase 2; plus strand). Cytogenetic location: 12q12.
Variant type: single nucleotide variant.
Coding change: c.5122T>G on transcript NM_198578.4 (MANE Select); coding-DNA position 5122, T replaced by G.
Protein change: p.Leu1708Val; replaces leucine 1708 with valine.
Molecular consequence: missense variant.
Genome position (GRCh38, 1-based): chr12:40,321,140, T>G. VCF-style: chr12-40321140-T-G. GRCh37 (hg19) VCF-style: chr12-40714942-T-G.
Other names: short protein forms L1708V.
Identifiers: ClinVar variation 1745489 (VCV001745489.2), dbSNP rs2499878832, ClinGen allele CA384420040.

ClinVar aggregate classification (germline): Uncertain significance (1 of 4 stars; one submission).

Conditions:
Inborn genetic diseases. Identifiers: MedGen C0950123, MeSH D030342.

Submission:

Ambry Genetics
Classification: Uncertain significance for Inborn genetic diseases. Last evaluated: 2022-10-12. Review status: criteria provided, single submitter. Criteria: Ambry Variant Classification Scheme 2023. Collection method: clinical testing. Allele origin: germline.
Comment: The p.L1708V variant (also known as c.5122T>G), located in coding exon 35 of the LRRK2 gene, results from a T to G substitution at nucleotide position 5122. The leucine at codon 1708 is replaced by valine, an amino acid with highly similar properties. This amino acid position is conserved. In addition, the in silico prediction for this alteration is inconclusive. Since supporting evidence is limited at this time, the clinical significance of this alteration remains unclear.